The following is an entry in ClinVar:

NM_152703.5(SAMD9L):c.785A>G (p.Asp262Gly)

Gene: SAMD9L (sterile alpha motif domain containing 9 like; minus strand). Cytogenetic location: 7q21.2.
Variant type: single nucleotide variant.
Coding change: c.785A>G on transcript NM_152703.5 (MANE Select); coding-DNA position 785, A replaced by G.
Protein change: p.Asp262Gly; replaces aspartic acid 262 with glycine.
Molecular consequence: missense variant.
Genome position (GRCh38, 1-based): chr7:93,135,187, T>C on the plus strand (A>G on the coding strand, the complement: SAMD9L is on the minus strand). VCF-style: chr7-93135187-T-C. GRCh37 (hg19) VCF-style: chr7-92764500-T-C.
Other names: c.785A>G, p.Asp262Gly (NM_001303496.3, NM_001303497.3, NM_001303498.3 and 5 more transcripts); short protein forms D262G.
Identifiers: ClinVar variation 5028879 (VCV005028879.1).

ClinVar aggregate classification (germline): Uncertain significance (1 of 4 stars; one submission).

Conditions:
Inborn genetic diseases. Identifiers: MedGen C0950123, MeSH D030342.

Submission:

Ambry Genetics
Classification: Uncertain significance for Inborn genetic diseases. Last evaluated: 2026-07-05. Review status: criteria provided, single submitter. Criteria: Ambry Variant Classification Scheme 2023. Collection method: clinical testing. Allele origin: germline.
Comment: The p.D262G variant (also known as c.785A>G), located in coding exon 1 of the SAMD9L gene, results from an A to G substitution at nucleotide position 785. The aspartic acid at codon 262 is replaced by glycine, an amino acid with similar properties. This amino acid position is conserved. In addition, this alteration is predicted to be tolerated by in silico analysis. Based on the available evidence, the clinical significance of this variant remains unclear.